The following is an entry in ClinVar:

ClinVar aggregate classification (germline): Uncertain significance (1 of 4 stars; one submission).

Submission:

Labcorp Genetics (formerly Invitae), Labcorp
Classification: Uncertain significance. Last evaluated: 2021-09-21. Review status: criteria provided, single submitter. Criteria: Invitae Variant Classification Sherloc (09022015). Collection method: clinical testing. Allele origin: germline.
Comment: This variant has not been reported in the literature in individuals affected with SLC18A3-related conditions. In summary, the available evidence is currently insufficient to determine the role of this variant in disease. Therefore, it has been classified as a Variant of Uncertain Significance. Algorithms developed to predict the effect of missense changes on protein structure and function are either unavailable or do not agree on the potential impact of this missense change (SIFT: "Deleterious"; PolyPhen-2: "Probably Damaging"; Align-GVGD: "Class C0"). This variant is not present in population databases (ExAC no frequency). This sequence change replaces isoleucine with phenylalanine at codon 38 of the SLC18A3 protein (p.Ile38Phe). The isoleucine residue is highly conserved and there is a small physicochemical difference between isoleucine and phenylalanine.

NM_003055.3(SLC18A3):c.112A>T (p.Ile38Phe)

Genes: CHAT (choline O-acetyltransferase; plus strand), SLC18A3 (solute carrier family 18 member A3; plus strand). Cytogenetic location: 10q11.23.
Variant type: single nucleotide variant.
Coding change: c.112A>T on transcript NM_003055.3 (MANE Select); coding-DNA position 112, A replaced by T.
Protein change: p.Ile38Phe; replaces isoleucine 38 with phenylalanine.
Molecular consequence: missense variant. On other transcripts: intron variant (1).
Genome position (GRCh38, 1-based): chr10:49,610,852, A>T. VCF-style: chr10-49610852-A-T. GRCh37 (hg19) VCF-style: chr10-50818898-A-T.
Other names: c.-69+1653A>T (NM_020984.4); short protein forms I38F.
Identifiers: ClinVar variation 1415978 (VCV001415978.7), dbSNP rs1838273857, ClinGen allele CA376715833.
Genomic context (GRCh38, chr10:49,610,852, plus strand): 5'-TCGGAGGCTGTGGGCGCGGCGCTGCAGGAGCCCCGGCGGCAGAGGCGCCTGGTGCTTGTT[A>T]TCGTGTGCGTGGCGCTGTTACTGGACAACATGCTGTACATGGTCATCGTGCCCATAGTGC-3'
Protein context (NP_003046.2, residues 28-48): PRRQRRLVLV[Ile38Phe]VCVALLLDNM